The following is an entry in ClinVar:

ClinVar aggregate classification (germline): Benign. Review status: criteria provided, multiple submitters, no conflicts (2 of 4 stars). 2 submissions from 2 submitters: Benign (2). Last evaluated 2017-04-27.

Conditions:
Cenani-Lenz syndactyly syndrome. Also called: CENANI SYNDACTYLISM; SYNDACTYLY, TYPE VII. Identifiers: Orphanet 3258, MedGen C1859309, MONDO:0008931, OMIM 212780.

Allele frequency attached by ClinVar (database versions not stated): gnomAD 0.00823 and 0.01082; 1000 Genomes Project 30x 0.05543; TOPMed 0.01208; 1000 Genomes Project 0.06110.

Submissions (2):

Illumina Laboratory Services, Illumina
Classification: Benign for Cenani-Lenz syndactyly syndrome. Last evaluated: 2017-04-27. Review status: criteria provided, single submitter. Criteria: ICSL Variant Classification Criteria 13 December 2019. Collection method: clinical testing. Allele origin: germline.
Comment: This variant was observed as part of a predisposition screen in an ostensibly healthy population. A literature search was performed for the gene, cDNA change, and amino acid change (where applicable). No publications were found based on this search. Allele frequency data from public databases was too high to be consistent with this variant causing disease. Therefore, this variant is classified as benign.

Breakthrough Genomics
Classification: Benign. Review status: criteria provided, single submitter. Criteria: ACMG Guidelines, 2015. Collection method: not provided. Allele origin: germline. Inheritance: Autosomal recessive inheritance. Affected: yes.

NM_002334.4(LRP4):c.*1017C>T

Genes: LRP4 (LDL receptor related protein 4; minus strand), LRP4-AS1 (LRP4 antisense RNA 1; plus strand). Cytogenetic location: 11p11.2.
Variant type: single nucleotide variant.
Coding change: c.*1017C>T on transcript NM_002334.4 (MANE Select); 1017 bases downstream of the stop codon, C replaced by T.
Molecular consequence: 3 prime UTR variant.
Genome position (GRCh38, 1-based): chr11:46,857,966, G>A on the plus strand (C>T on the coding strand, the complement: LRP4 is on the minus strand). VCF-style: chr11-46857966-G-A. GRCh37 (hg19) VCF-style: chr11-46879517-G-A.
Identifiers: ClinVar variation 304833 (VCV000304833.6), dbSNP rs10838623, ClinGen allele CA10635008.